The following is an entry in ClinVar:

ClinVar aggregate classification (germline): Likely benign (1 of 4 stars; one submission).

Allele frequency attached by ClinVar (database versions not stated): gnomAD exomes below 0.00001; ExAC 0.00001; gnomAD 0.00001; 1000 Genomes Project 30x 0.00016; 1000 Genomes Project 0.00020.
gnomAD v4.1: 2 of 1,614,236 alleles (0.00012%); highest among the groups gnomAD compares: Non-Finnish European, 0.00017%; no homozygotes.

Submission:

CeGaT Center for Human Genetics Tuebingen
Classification: Likely benign. Last evaluated: 2024-02-01. Review status: criteria provided, single submitter. Criteria: CeGaT Center For Human Genetics Tuebingen Variant Classification Criteria Version 2. Collection method: clinical testing. Allele origin: germline. Affected: yes. Observed: 1 variant allele.
Comment: LINS1: BP4, BP7

NM_001040616.3(LINS1):c.1368A>G (p.Ser456=)

Gene: LINS1 (lines homolog 1; minus strand). Cytogenetic location: 15q26.3.
Variant type: single nucleotide variant.
Coding change: c.1368A>G on transcript NM_001040616.3 (MANE Select); coding-DNA position 1368, A replaced by G.
Protein change: p.Ser456=; no amino-acid change (serine 456 retained).
Molecular consequence: synonymous variant. On other transcripts: non-coding transcript variant (3).
Genome position (GRCh38, 1-based): chr15:100,571,920, T>C on the plus strand (A>G on the coding strand, the complement: LINS1 is on the minus strand). VCF-style: chr15-100571920-T-C. GRCh37 (hg19) VCF-style: chr15-101112125-T-C.
Other names: c.621A>G, p.Ser207= (NM_001352507.2); c.1215A>G, p.Ser405= (NM_001352508.2).
Identifiers: ClinVar variation 3026335 (VCV003026335.22), dbSNP rs200062768, ClinGen allele CA7759441.